The following is an entry in ClinVar:

NM_005560.6(LAMA5):c.3569T>C (p.Val1190Ala)

Gene: LAMA5 (laminin subunit alpha 5; minus strand). Cytogenetic location: 20q13.33.
Variant type: single nucleotide variant.
Coding change: c.3569T>C on transcript NM_005560.6 (MANE Select); coding-DNA position 3569, T replaced by C.
Protein change: p.Val1190Ala; replaces valine 1190 with alanine.
Molecular consequence: missense variant.
Genome position (GRCh38, 1-based): chr20:62,331,113, A>G on the plus strand (T>C on the coding strand, the complement: LAMA5 is on the minus strand). VCF-style: chr20-62331113-A-G. GRCh37 (hg19) VCF-style: chr20-60906169-A-G.
Other names: c.3569T>C (NM_005560.4); short protein forms V1190A.
Identifiers: ClinVar variation 3536997 (VCV003536997.2).

ClinVar aggregate classification (germline): Uncertain significance. Review status: criteria provided, multiple submitters, no conflicts (2 of 4 stars). 2 submissions from 2 submitters: Uncertain significance (2). Last evaluated 2024-12-29.

Conditions:
LAMA5-related disorder. Also called: LAMA5-Related Disorders; LAMA5-related condition.
Inborn genetic diseases. Identifiers: MedGen C0950123, MeSH D030342.

gnomAD v4.1: 160 of 1,586,834 alleles (0.01%); highest among the groups gnomAD compares: Non-Finnish European, 0.0015%; 9 homozygotes.

Submissions (2):

PreventionGenetics, part of Exact Sciences
Classification: Uncertain significance for LAMA5-related condition. Last evaluated: 2024-12-29. Review status: criteria provided, single submitter. Criteria: ACMG Guidelines, 2015. Collection method: clinical testing. Allele origin: germline.
Comment: The LAMA5 c.3569T>C variant is predicted to result in the amino acid substitution p.Val1190Ala. To our knowledge, this variant has not been reported in the literature. This variant is reported in 0.013% of alleles in individuals of European (Non-Finnish) descent in gnomAD. At this time, the clinical significance of this variant is uncertain due to the absence of conclusive functional and genetic evidence.

Ambry Genetics
Classification: Uncertain significance for Inborn genetic diseases. Last evaluated: 2024-11-10. Review status: criteria provided, single submitter. Criteria: Ambry Variant Classification Scheme 2023. Collection method: clinical testing. Allele origin: germline.